The following is an entry in ClinVar:

NM_024312.5(GNPTAB):c.1409-2A>G

Gene: GNPTAB (N-acetylglucosamine-1-phosphate transferase subunits alpha and beta; minus strand). Cytogenetic location: 12q23.2.
Variant type: single nucleotide variant.
Coding change: c.1409-2A>G on transcript NM_024312.5 (MANE Select); the canonical splice acceptor site of the intron before coding-DNA position 1409, A replaced by G.
Molecular consequence: splice acceptor variant.
Genome position (GRCh38, 1-based): chr12:101,766,296, T>C on the plus strand (A>G on the coding strand, the complement: GNPTAB is on the minus strand). VCF-style: chr12-101766296-T-C. GRCh37 (hg19) VCF-style: chr12-102160074-T-C.
Identifiers: ClinVar variation 863863 (VCV000863863.10), dbSNP rs1953092495, ClinGen allele CA386301470.

ClinVar aggregate classification (germline): Pathogenic/Likely pathogenic. Review status: criteria provided, multiple submitters, no conflicts (2 of 4 stars). 3 submissions from 3 submitters: Pathogenic (2); Likely pathogenic (1). Last evaluated 2024-09-04.

Conditions:
Mucolipidosis type II. Also called: Mucolipidosis II Alpha/Beta; ML II ALPHA/BETA; Mucolipidosis 2; ML 2; Inclusion cell disease; Leroy Disease. Identifiers: Orphanet 576, MedGen C2673377, MONDO:0009650, OMIM 252500.
Pseudo-Hurler polydystrophy. Also called: MUCOLIPIDOSIS IIIA; ML III; ML III ALPHA/BETA; Type III Mucolipidosis; Mucolipidosis III Alpha/Beta; ML IIIA. Identifiers: Orphanet 423461, Orphanet 577, MedGen C0033788, MONDO:0018931, OMIM 252600.

Submissions (3):

Natera, Inc.
Classification: Likely pathogenic for Mucolipidosis type II. Last evaluated: 2024-09-04. Review status: criteria provided, single submitter. Criteria: Natera Variant Classification Schema (03/2026). Collection method: clinical testing. Allele origin: germline.
Comment: The c.1409-2A>G variant in GNPTAB is a canonical splice acceptor site variant predicted to affect pre-mRNA splicing, which may result in an abnormal transcript and altered protein product. This variant is expected to result in nonsense mediated decay, truncation, or a dysfunctional protein product. This variant is rare in the general population with a frequency below the threshold expected for the associated phenotype(s). Given the available evidence, this variant is classified as Likely Pathogenic.

Labcorp Genetics (formerly Invitae), Labcorp
Classification: Pathogenic for Pseudo-Hurler polydystrophy; Mucolipidosis type II. Last evaluated: 2023-07-13. Review status: criteria provided, single submitter. Criteria: Invitae Variant Classification Sherloc (09022015). Collection method: clinical testing. Allele origin: germline.
Comment: For these reasons, this variant has been classified as Pathogenic. Algorithms developed to predict the effect of sequence changes on RNA splicing suggest that this variant may disrupt the consensus splice site. ClinVar contains an entry for this variant (Variation ID: 863863). Disruption of this splice site has been observed in individual(s) with clinical features of GNPTAB-related conditions (Invitae). In at least one individual the data is consistent with being in trans (on the opposite chromosome) from a pathogenic variant. This variant is not present in population databases (gnomAD no frequency). This sequence change affects an acceptor splice site in intron 11 of the GNPTAB gene. It is expected to disrupt RNA splicing. Variants that disrupt the donor or acceptor splice site typically lead to a loss of protein function (PMID: 16199547), and loss-of-function variants in GNPTAB are known to be pathogenic (PMID: 19617216, 25107912).

3billion
Classification: Pathogenic for Mucolipidosis type II. Last evaluated: 2022-09-01. Review status: criteria provided, single submitter. Criteria: ACMG Guidelines, 2015. Collection method: clinical testing. Allele origin: germline. Affected: yes. Observed: 1 heterozygote.
Comment: The variant is not observed in the gnomAD v2.1.1 dataset. Canonical splice site is predicted to alter splicing and result in a loss or disruption of normal protein function. Multiple pathogenic loss-of-function variants are reported downstream of the variant. The variant has been reported to be associated with GNPTAB-related disorder (ClinVar ID: VCV000863863). Therefore, this variant is classified as Pathogenic according to the recommendation of ACMG/AMP guideline.

Literature cited by the submitters: PubMed 16199547 (cited by Labcorp Genetics (formerly Invitae), Labcorp); PubMed 19617216 (cited by Labcorp Genetics (formerly Invitae), Labcorp); PubMed 25107912 (cited by Labcorp Genetics (formerly Invitae), Labcorp).